The following is an entry in ClinVar:

ClinVar aggregate classification (germline): Uncertain significance (1 of 4 stars; one submission).

Submission:

GeneDx
Classification: Uncertain significance. Last evaluated: 2025-08-13. Review status: criteria provided, single submitter. Criteria: GeneDx Variant Classification Process June 2021. Collection method: clinical testing. Allele origin: germline. Affected: yes.
Comment: Not observed at significant frequency in large population cohorts (gnomAD); In silico analysis suggests that this missense variant does not alter protein structure/function; Has not been previously published as pathogenic or benign to our knowledge

NM_000489.6(ATRX):c.5561T>C (p.Leu1854Ser)

Gene: ATRX (ATRX chromatin remodeler; minus strand). Cytogenetic location: Xq21.1.
Variant type: single nucleotide variant.
Coding change: c.5561T>C on transcript NM_000489.6 (MANE Select); coding-DNA position 5561, T replaced by C.
Protein change: p.Leu1854Ser; replaces leucine 1854 with serine.
Molecular consequence: missense variant.
Genome position (GRCh38, 1-based): chrX:77,616,618, A>G on the plus strand (T>C on the coding strand, the complement: ATRX is on the minus strand). VCF-style: chrX-77616618-A-G. GRCh37 (hg19) VCF-style: chrX-76872086-A-G.
Other names: c.5447T>C, p.Leu1816Ser (NM_138270.5); short protein forms L1854S, L1816S.
Identifiers: ClinVar variation 4795764 (VCV004795764.1).